The following is an entry in ClinVar:

ClinVar aggregate classification (germline): Conflicting classifications of pathogenicity. Review status: criteria provided, conflicting classifications (1 of 4 stars). 8 submissions from 8 submitters: Uncertain significance (1); Benign (1); Likely benign (4). 2 of the submissions do not count toward it. Last evaluated 2025-11-08.

Conditions:
SALL4-Related Disorders. Also called: SALL4-related disorder; SALL4-related condition. Identifiers: MedGen CN381056.
Inborn genetic diseases. Identifiers: MedGen C0950123, MeSH D030342.
Duane-radial ray syndrome (DRRS). Also called: ACRORENOOCULAR SYNDROME; Duane-Radial Ray Syndrome (DRRS) / Okihiro Syndrome; Okihiro Syndrome; DR SYNDROME; DUANE ANOMALY WITH RADIAL RAY ABNORMALITIES AND DEAFNESS; Duane-Radial Ray Syndrome/Okihiro Syndrome. Identifiers: Orphanet 93293, Orphanet 959, MedGen C1623209, MONDO:0011812, OMIM 607323. Disease mechanism: gain of function.

Allele frequency attached by ClinVar (database versions not stated): gnomAD exomes 0.00020 and 0.00050; ExAC 0.00063; 1000 Genomes Project 0.00180; 1000 Genomes Project 30x 0.00187; gnomAD 0.00192 and 0.00206; TOPMed 0.00239; ESP Exome Variant Server 0.00292.
gnomAD v4.1: 585 of 1,614,132 alleles (0.036%); highest among the groups gnomAD compares: African/African-American, 0.72%; 3 homozygotes.

Submissions (8):

Labcorp Genetics (formerly Invitae), Labcorp
Classification: Benign for Duane-radial ray syndrome. Last evaluated: 2025-11-08. Review status: criteria provided, single submitter. Criteria: Invitae Variant Classification Sherloc (09022015). Collection method: clinical testing. Allele origin: germline.

Blueprint Genetics
Classification: Likely benign. Last evaluated: 2024-11-13. Review status: criteria provided, single submitter. Criteria: ACMG Guidelines, 2015. Collection method: clinical testing. Allele origin: germline.

GeneDx
Classification: Likely benign. Last evaluated: 2023-05-15. Review status: criteria provided, single submitter. Criteria: GeneDx Variant Classification Process June 2021. Collection method: clinical testing. Allele origin: germline. Affected: yes.
Comment: See Variant Classification Assertion Criteria.

Ambry Genetics
Classification: Uncertain significance for Inborn genetic diseases. Last evaluated: 2021-09-27. Review status: criteria provided, single submitter. Criteria: Ambry Variant Classification Scheme 2023. Collection method: clinical testing. Allele origin: germline.

Eurofins Ntd Llc (ga)
Classification: Likely benign. Last evaluated: 2015-07-08. Review status: criteria provided, single submitter. Criteria: EGL Classification Definitions 2015. Collection method: clinical testing. Allele origin: germline. Observed: 1 variant allele.

Breakthrough Genomics
Classification: Likely benign. Review status: criteria provided, single submitter. Criteria: ACMG Guidelines, 2015. Collection method: not provided. Allele origin: germline. Inheritance: Autosomal dominant inheritance. Affected: yes.

PreventionGenetics, part of Exact Sciences
Classification: Benign for SALL4-related condition. Last evaluated: 2019-03-01. Review status: no assertion criteria provided. Collection method: clinical testing. Allele origin: germline. Not counted in ClinVar's aggregate classification.
Comment: This variant is classified as benign based on ACMG/AMP sequence variant interpretation guidelines (Richards et al. 2015 PMID: 25741868, with internal and published modifications).

Department of Pathology and Laboratory Medicine, Sinai Health System
Classification: Likely benign. Review status: no assertion criteria provided. Collection method: clinical testing. Allele origin: unknown. Affected: yes. Study: The Canadian Open Genetics Repository (COGR). Not counted in ClinVar's aggregate classification.
Comment: The SALL4 p.Thr391Met variant was not identified in the literature nor was it identified in Cosmic or LOVD 3.0. The variant was identified in dbSNP (ID: rs147158259) and ClinVar (classified as likely benign by EGL Genetics). The variant was also identified in control databases in 192 of 281796 chromosomes (2 homozygous) at a frequency of 0.000681 increasing the likelihood this could be a low frequency benign variant (Genome Aggregation Database Feb 27, 2017). The variant was observed in the following populations: African in 186 of 24950 chromosomes (freq: 0.007455), Other in 1 of 7212 chromosomes (freq: 0.000139), Latino in 3 of 35438 chromosomes (freq: 0.000085), South Asian in 1 of 30616 chromosomes (freq: 0.000033) and European (non-Finnish) in 1 of 128152 chromosomes (freq: 0.000008), while the variant was not observed in the Ashkenazi Jewish, East Asian or European (Finnish) populations. The p.Thr391 residue is not conserved in mammals and four out of five computational analyses (PolyPhen-2, SIFT, AlignGVGD, MutationTaster) do not suggest a high likelihood of impact to the protein; however, this information is not predictive enough to rule out pathogenicity. The variant occurs outside of the splicing consensus sequence and 3 of 4 in silico or computational prediction software programs (MaxEntScan, NNSPLICE, GeneSplicer) do not predict a difference in splicing. In summary, based on the above information the clinical significance of this variant cannot be determined with certainty at this time although we would lean towards a more benign role for this variant. This variant is classified as likely benign.

NM_020436.5(SALL4):c.2483C>T (p.Thr828Met)

Gene: SALL4 (spalt like transcription factor 4; minus strand). Cytogenetic location: 20q13.2.
Variant type: single nucleotide variant.
Coding change: c.2483C>T on transcript NM_020436.5 (MANE Select); coding-DNA position 2483, C replaced by T.
Protein change: p.Thr828Met; replaces threonine 828 with methionine.
Molecular consequence: missense variant.
Genome position (GRCh38, 1-based): chr20:51,789,120, G>A on the plus strand (C>T on the coding strand, the complement: SALL4 is on the minus strand). VCF-style: chr20-51789120-G-A. GRCh37 (hg19) VCF-style: chr20-50405659-G-A.
Other names: c.2483C>T (NM_020436.4); c.1172C>T, p.Thr391Met (NM_001318031.2); short protein forms T828M, T391M.
Identifiers: ClinVar variation 281638 (VCV000281638.23), dbSNP rs147158259, ClinGen allele CA9912062.